The following is an entry in ClinVar:

NM_014112.5(TRPS1):c.2956_2960dup (p.Val988fs)

Gene: TRPS1 (transcriptional repressor GATA binding 1; minus strand). Cytogenetic location: 8q23.3.
Variant type: Duplication.
Coding change: c.2956_2960dup on transcript NM_014112.5 (MANE Select); coding-DNA positions 2956 to 2960, 5 bases duplicated (GAGCA; older notation c.2956_2960dupGAGCA).
Protein change: p.Val988fs; shifts the reading frame from valine 988.
Molecular consequence: frameshift variant.
Genome position (GRCh38, 1-based): chr8:115,414,948-115,414,952, TGCTC duplicated on the plus strand (GAGCA on the coding strand, the reverse complement: TRPS1 is on the minus strand). VCF-style (leftmost placement, unchanged base first): chr8-115414947-T-TTGCTC. GRCh37 (hg19) VCF-style: chr8-116427175-T-TTGCTC.
Other names: c.2929_2933dup, p.Val979fs (NM_001282902.3); c.2935_2939dup, p.Val981fs (NM_001282903.3); c.2917_2921dup, p.Val975fs (NM_001330599.2); short protein forms V988fs, V979fs, V981fs, V975fs.
Identifiers: ClinVar variation 846686 (VCV000846686.9), dbSNP rs1812880824, ClinGen allele CA916083010.
Genomic context (GRCh38, chr8:115,414,947, plus strand): 5'-TCTCTGGTGACTTTCAGTTAGATGATCTTCTGACCTCCTCTCTAACGGGCTTCCATTGAC[T>TTGCTC]TGCTCCTCATTGCTGCCCCTCTGCTGTTTGTTGAGCTGCTCAGCCTGAAGTGCCTCTGGG-3'

ClinVar aggregate classification (germline): Pathogenic (1 of 4 stars; one submission).

Conditions:
Trichorhinophalangeal dysplasia type I (TRPS1). Also called: TRPS I; TRICHORHINOPHALANGEAL SYNDROME, TYPE I. Identifiers: Orphanet 77258, MedGen C0432233, MONDO:0008596, OMIM 190350.
Trichorhinophalangeal syndrome, type III (TRPS3). Also called: SUGIO-KAJII SYNDROME. Identifiers: Orphanet 77258, MedGen C1860823, OMIM 190351, MONDO:0008597.

Submission:

Labcorp Genetics (formerly Invitae), Labcorp
Classification: Pathogenic for Trichorhinophalangeal syndrome, type III; Trichorhinophalangeal dysplasia type I. Last evaluated: 2019-12-22. Review status: criteria provided, single submitter. Criteria: Invitae Variant Classification Sherloc (09022015). Collection method: clinical testing. Allele origin: germline.
Comment: For these reasons, this variant has been classified as Pathogenic. This variant disrupts the C-terminus of the TRPS1 protein. Other variant(s) that disrupt this region (p.Thr1215Glnfs*27) have been determined to be pathogenic (PMID: 26113321). This suggests that variants that disrupt this region of the protein are likely to be causative of disease. This variant has been observed in individual(s) with clinical features of trichorhinophalangeal syndrome (Invitae). It has also been observed to segregate with disease in related individuals. This variant is not present in population databases (ExAC no frequency). This sequence change results in a premature translational stop signal in the TRPS1 gene (p.Val988Serfs*8). While this is not anticipated to result in nonsense mediated decay, it is expected to disrupt the last 307 amino acids of the TRPS1 protein.

Literature cited by the submitters: PubMed 26113321.